The following is an entry in ClinVar:

NM_005732.4(RAD50):c.2647C>T (p.Arg883Cys)

Gene: RAD50 (RAD50 double strand break repair protein; plus strand). Cytogenetic location: 5q31.1.
Variant type: single nucleotide variant.
Coding change: c.2647C>T on transcript NM_005732.4 (MANE Select); coding-DNA position 2647, C replaced by T.
Protein change: p.Arg883Cys; replaces arginine 883 with cysteine.
Molecular consequence: missense variant.
Genome position (GRCh38, 1-based): chr5:132,604,928, C>T. VCF-style: chr5-132604928-C-T. GRCh37 (hg19) VCF-style: chr5-131940620-C-T.
Other names: p.R883C:CGT>TGT; short protein forms R883C.
Identifiers: ClinVar variation 128008 (VCV000128008.27), dbSNP rs138749920, ClinGen allele CA331875.
Genomic context (GRCh38, chr5:132,604,928, plus strand): 5'-CTAAAAAGTACAACAAATGAGCTAAAATCTGAGAAACTTCAGATATCCACTAATTTGCAA[C>T]GTCGTCAGCAACTGGAGGAGCAGACTGTGGAATTATCCACTGAAGTTCAGTCTTTGTACA-3'
Protein context (NP_005723.2, residues 873-893): EKLQISTNLQ[Arg883Cys]RQQLEEQTVE

ClinVar aggregate classification (germline): Conflicting classifications of pathogenicity. Review status: criteria provided, conflicting classifications (1 of 4 stars). 10 submissions from 10 submitters: Uncertain significance (2); Benign (2); Likely benign (4). 2 of the submissions do not count toward it. Last evaluated 2026-01-13.

Conditions:
Hereditary cancer-predisposing syndrome. Also called: Tumor predisposition; Hereditary neoplastic syndrome; Neoplastic Syndromes, Hereditary; Hereditary Cancer Syndrome. Identifiers: Orphanet 140162, MedGen C0027672, MeSH D009386, MONDO:0015356.
Nijmegen breakage syndrome-like disorder (NBSLD). Also called: MICROCEPHALY AND SPONTANEOUS CHROMOSOME INSTABILITY WITHOUT IMMUNODEFICIENCY; NBS-LIKE DISORDER; RAD50 DEFICIENCY. Identifiers: Orphanet 240760, MedGen C2751318, MONDO:0013118, OMIM 613078.
Familial cancer of breast. Also called: hereditary breast carcinoma; Hereditary breast cancer; BREAST CANCER, FAMILIAL. Identifiers: Orphanet 227535, MedGen C0346153, MONDO:0016419, OMIM 114480. Disease mechanism: loss of function.

Allele frequency attached by ClinVar (database versions not stated): 1000 Genomes Project 30x 0.00016; 1000 Genomes Project 0.00020; gnomAD exomes 0.00030 and 0.00058; gnomAD 0.00032 and 0.00036; TOPMed 0.00047; ESP Exome Variant Server 0.00054; ExAC 0.00057.
gnomAD v4.1: 512 of 1,613,882 alleles (0.032%); highest among the groups gnomAD compares: Middle Eastern, 0.16%; 3 homozygotes.

Submissions (10):

Labcorp Genetics (formerly Invitae), Labcorp
Classification: Benign for Hereditary cancer-predisposing syndrome. Last evaluated: 2026-01-13. Review status: criteria provided, single submitter. Criteria: Invitae Variant Classification Sherloc (09022015). Collection method: clinical testing. Allele origin: germline.

Quest Diagnostics Nichols Institute San Juan Capistrano
Classification: Likely benign. Last evaluated: 2025-11-08. Review status: criteria provided, single submitter. Criteria: Quest Diagnostics criteria. Collection method: clinical testing. Allele origin: unknown.

Blueprint Genetics
Classification: Likely benign. Last evaluated: 2024-10-21. Review status: criteria provided, single submitter. Criteria: ACMG Guidelines, 2015. Collection method: clinical testing. Allele origin: germline.

Women's Health and Genetics/Laboratory Corporation of America, LabCorp
Classification: Benign. Last evaluated: 2022-11-21. Review status: criteria provided, single submitter. Criteria: LabCorp Variant Classification Summary - May 2015. Collection method: clinical testing. Allele origin: germline.
Comment: Variant summary: RAD50 c.2647C>T (p.Arg883Cys) results in a non-conservative amino acid change in the encoded protein sequence. Four of five in-silico tools predict a damaging effect of the variant on protein function. The variant allele was found at a frequency of 0.00058 in 251140 control chromosomes in the gnomAD database, including 1 homozygotes. The observed variant frequency is approximately 9 fold of the estimated maximal expected allele frequency for a pathogenic variant in RAD50 causing Hereditary Breast And Ovarian Cancer Syndrome phenotype (6.3e-05), strongly suggesting that the variant is benign. Five clinical diagnostic laboratories have submitted clinical-significance assessments for this variant to ClinVar after 2014 without evidence for independent evaluation. Multiple laboratories reported the variant with conflicting assessments (benign n=1, likely benign n=2, VUS n=2). Based on the evidence outlined above, the variant was classified as benign.

GeneDx
Classification: Uncertain significance. Last evaluated: 2022-06-09. Review status: criteria provided, single submitter. Criteria: GeneDx Variant Classification Process June 2021. Collection method: clinical testing. Allele origin: germline. Affected: yes.
Comment: In silico analysis supports that this missense variant has a deleterious effect on protein structure/function; Has not been previously published as pathogenic or benign to our knowledge; Variants in candidate genes are classified as variants of uncertain significance in accordance with ACMG guidelines (Richards et al., 2015)

Sema4
Classification: Likely benign for Nijmegen breakage syndrome-like disorder. Last evaluated: 2021-05-12. Review status: criteria provided, single submitter. Criteria: Sema4 Curation Guidelines. Collection method: curation. Allele origin: germline.

Ambry Genetics
Classification: Likely benign for Hereditary cancer-predisposing syndrome. Last evaluated: 2019-02-11. Review status: criteria provided, single submitter. Criteria: Ambry Variant Classification Scheme 2023. Collection method: clinical testing. Allele origin: germline.

Fulgent Genetics
Classification: Uncertain significance for Nijmegen breakage syndrome-like disorder. Last evaluated: 2017-05-23. Review status: criteria provided, single submitter. Criteria: ACMG Guidelines, 2015. Collection method: clinical testing. Allele origin: unknown.

Biotechnology, Institute of Science, Nirma University
Classification: Uncertain significance for Familial cancer of breast. Last evaluated: 2023-01-30. Review status: no assertion criteria provided. Collection method: clinical testing. Allele origin: germline. Affected: yes. Observed: 1 variant allele, 1 heterozygote. Not counted in ClinVar's aggregate classification.
Comment: The RAD50c.2647C>T (p.Arg883Cys) is single nucleotide polymorphism, which does not show any effect on the MRE11 and the BRCA1 interactions with RAD50, there by unaffecting the double strand DNA repair damage mechanism.

Department of Pathology and Laboratory Medicine, Sinai Health System
Classification: Likely benign. Review status: no assertion criteria provided. Collection method: clinical testing. Allele origin: unknown. Affected: yes. Study: The Canadian Open Genetics Repository (COGR). Not counted in ClinVar's aggregate classification.
Comment: The RAD50 p.Arg883Cys variant was identified in the literature however the frequency of this variant in an affected population was not provided. The variant was also identified in dbSNP (ID: rs138749920) as Uncertain Significance and likely Benign, ClinVar (Reported as Likely Benign by Ambry in 2018, Likely benign by Invitae in 2017, Uncertain significance by Fulgent in 2017, Uncertain significance by GeneDx in 2014), Clinvitae (Likely benign [Invitae], Uncertain significance [ClinVar]), databases. The variant was not identified in Cosmic or LOVD 3.0, databases. The variant was identified in control databases in 152 of 282540 chromosomes (1 homozygous) at a frequency of 0.000538 increasing the likelihood this could be a low frequency benign variant (Genome Aggregation Database Feb 27, 2017). The variant was observed in the following populations: Ashkenazi Jewish in 82 of 10366 chromosomes (freq: 0.00791), South Asian in 29 of 30584 chromosomes (freq: 0.000948), Other in 5 of 7206 chromosomes (freq: 0.000694), Latino in 12 of 35384 chromosomes (freq: 0.000339), European (non-Finnish) in 21 of 128990 chromosomes (freq: 0.000163), African in 2 of 24956 chromosomes (freq: 0.00008), East Asian in 1 of 19950 chromosomes (freq: 0.00005), while the variant was not observed in the and European (Finnish) populations. The p.Arg883C variant was reported as a variant of uncertain significance in a population of 278 BRCA1/2 negative patients with early onset breast cancer who received sequencing of 22 cancer susceptibility genes (Maxwell_2015_PMID: 25503501). The p.Arg883Cys variant was also reported as a variant of uncertain significance in a population of 1040 cancer patients who received germline analysis of 76 cancer predisposition genes (Mandelker_2017_PMID: 23555315). The p.Arg883Cys variant was also identified through genotyping 191,032 common and rare non-synonymous, splice site, or nonsense variants in a multiethnic sample of 2,984 breast cancer cases, 4,376 prostate cancer cases, and 7,545 controls (Haiman_2013_PMID: 23555315). The p.Arg883Cys variant was not found to be significantly associated with breast or prostate cancer (Haiman_2013_PMID: 23555315). The p.Arg883 residue is conserved in mammals but not in more distantly related organisms, and four out of five computational analyses (PolyPhen-2, SIFT, AlignGVGD, BLOSUM, MutationTaster) suggest that the R variant may impact the protein; however, this information is not predictive enough to assume pathogenicity. In summary, based on the above information the clinical significance of this variant cannot be determined with certainty at this time although we would lean towards a more benign role for this variant. This variant is classified as likely benign. References Haiman CA et al. Genome-wide testing of putative functional exonic variants in relationship with breast and prostate cancer risk in a multiethnic population. PLoS Genet. 2013 Mar;9(3):e1003419. doi: 0.1371/journal.pgen.1003419. Epub 2013 Mar 28. PMID: 23555315 Mandelker D et al. Mutation Detection in Patients With Advanced Cancer by Universal Sequencing of Cancer-Related Genes in Tumor and Normal DNA vs Guideline-Based Germline Testing. JAMA. 2017 Sep 5;318(9):825-835. doi: 10.1001/jama.2017.11137. PMID: 28873162 Maxwell KN et al. Prevalence of mutations in a panel of breast cancer susceptibility genes in BRCA1/2-negative patients with early-onset breast cancer. Genet Med. 2015 Aug;17(8):630-8. doi: 10.1038/gim.2014.176. Epub 2014 Dec 11. PubMed PMID:25503501

Literature cited by the submitters: PubMed 33471991 (cited by Quest Diagnostics Nichols Institute San Juan Capistrano); PubMed 28134932 (cited by Biotechnology, Institute of Science, Nirma University).